The following is an entry in ClinVar:

ClinVar aggregate classification (germline): Uncertain significance. Review status: criteria provided, multiple submitters, no conflicts (2 of 4 stars). 2 submissions from 2 submitters: Uncertain significance (2). Last evaluated 2025-05-22.

Conditions:
Episodic ataxia type 1 (EA1). Also called: ATAXIA, EPISODIC, WITH MYOKYMIA; MYOKYMIA WITH PERIODIC ATAXIA; PAROXYSMAL ATAXIA WITH NEUROMYOTONIA, HEREDITARY; Episodic ataxia/myokymia syndrome. Identifiers: Orphanet 37612, Orphanet 972, MedGen C1719788, MONDO:0008047, OMIM 160120.

Submissions (2):

GeneDx
Classification: Uncertain significance. Last evaluated: 2025-05-22. Review status: criteria provided, single submitter. Criteria: GeneDx Variant Classification Process June 2021. Collection method: clinical testing. Allele origin: germline. Affected: yes.
Comment: Not observed at significant frequency in large population cohorts (gnomAD); In silico analysis supports that this missense variant has a deleterious effect on protein structure/function; Has not been previously published as pathogenic or benign to our knowledge

Labcorp Genetics (formerly Invitae), Labcorp
Classification: Uncertain significance for Episodic ataxia type 1. Last evaluated: 2024-02-15. Review status: criteria provided, single submitter. Criteria: Invitae Variant Classification Sherloc (09022015). Collection method: clinical testing. Allele origin: germline.
Comment: This sequence change replaces glutamic acid, which is acidic and polar, with alanine, which is neutral and non-polar, at codon 79 of the KCNA1 protein (p.Glu79Ala). This variant is not present in population databases (gnomAD no frequency). This variant has not been reported in the literature in individuals affected with KCNA1-related conditions. Advanced modeling of protein sequence and biophysical properties (such as structural, functional, and spatial information, amino acid conservation, physicochemical variation, residue mobility, and thermodynamic stability) performed at Invitae indicates that this missense variant is expected to disrupt KCNA1 protein function with a positive predictive value of 80%. In summary, the available evidence is currently insufficient to determine the role of this variant in disease. Therefore, it has been classified as a Variant of Uncertain Significance.

NM_000217.3(KCNA1):c.236A>C (p.Glu79Ala)

Gene: KCNA1 (potassium voltage-gated channel subfamily A member 1; plus strand). Cytogenetic location: 12p13.32.
Variant type: single nucleotide variant.
Coding change: c.236A>C on transcript NM_000217.3 (MANE Select); coding-DNA position 236, A replaced by C.
Protein change: p.Glu79Ala; replaces glutamic acid 79 with alanine.
Molecular consequence: missense variant.
Genome position (GRCh38, 1-based): chr12:4,911,614, A>C. VCF-style: chr12-4911614-A-C. GRCh37 (hg19) VCF-style: chr12-5020780-A-C.
Other names: c.236A>C (NM_000217.2); short protein forms E79A.
Identifiers: ClinVar variation 3641091 (VCV003641091.3).